The following is an entry in ClinVar:

ClinVar aggregate classification (germline): Likely pathogenic (0 of 4 stars; one submission).

Conditions:
SETBP1-related disorder. Also called: SETBP1-related condition; SETBP1-related disorders.

gnomAD v4.1: 5 of 1,248,568 alleles (0.0004%); highest among the groups gnomAD compares: East Asian, 0.003%; no homozygotes.

Submission:

PreventionGenetics, part of Exact Sciences
Classification: Likely pathogenic for SETBP1-related condition. Last evaluated: 2024-09-25. Review status: no assertion criteria provided. Collection method: clinical testing. Allele origin: germline.
Comment: The SETBP1 c.4615C>T variant is predicted to result in the amino acid substitution p.Pro1539Ser. This variant has not been reported in a large population database, indicating this variant is rare. This variant is interpreted as likely pathogenic.

NM_015559.3(SETBP1):c.4615C>T (p.Pro1539Ser)

Gene: SETBP1 (SET binding protein 1; plus strand). Cytogenetic location: 18q12.3.
Variant type: single nucleotide variant.
Coding change: c.4615C>T on transcript NM_015559.3 (MANE Select); coding-DNA position 4615, C replaced by T.
Protein change: p.Pro1539Ser; replaces proline 1539 with serine.
Molecular consequence: missense variant.
Genome position (GRCh38, 1-based): chr18:45,063,522, C>T. VCF-style: chr18-45063522-C-T. GRCh37 (hg19) VCF-style: chr18-42643487-C-T.
Other names: c.4615C>T, p.Pro1539Ser (NM_001379141.1, NM_001379142.1); c.4444C>T, p.Pro1482Ser (NM_001410862.1); short protein forms P1482S, P1539S.
Identifiers: ClinVar variation 3354833 (VCV003354833.1).